The following is an entry in ClinVar:

ClinVar aggregate classification (germline): Conflicting classifications of pathogenicity. Review status: criteria provided, conflicting classifications (1 of 4 stars). 8 submissions from 8 submitters: Uncertain significance (7); Likely benign (1). Last evaluated 2025-09-05.

Conditions:
Lynch syndrome. Identifiers: Orphanet 144, MedGen C4552100, MONDO:0005835. Disease mechanism: loss of function.
Hereditary nonpolyposis colorectal neoplasms. Identifiers: MedGen C0009405, MeSH D003123.
Hereditary cancer-predisposing syndrome. Also called: Hereditary neoplastic syndrome; Tumor predisposition; Neoplastic Syndromes, Hereditary; Hereditary Cancer Syndrome. Identifiers: Orphanet 140162, MedGen C0027672, MeSH D009386, MONDO:0015356.
Endometrial carcinoma. Also called: Endometrial carcinoma, somatic. Identifiers: MedGen C0476089, MONDO:0002447, OMIM 608089, HP:0012114.

Allele frequency attached by ClinVar (database versions not stated): gnomAD exomes below 0.00001 and 0.00001; ExAC 0.00001.
gnomAD v4.1: 3 of 1,614,202 alleles (0.00019%); highest among the groups gnomAD compares: East Asian, 0.0022%; no homozygotes.

Submissions (8):

Quest Diagnostics Nichols Institute San Juan Capistrano
Classification: Uncertain significance. Last evaluated: 2025-09-05. Review status: criteria provided, single submitter. Criteria: Quest Diagnostics criteria. Collection method: clinical testing. Allele origin: unknown.
Comment: The MSH6 c.2753A>G (p.His918Arg) variant has been reported in the published literature in an individual with colorectal cancer (PMID: 29245953 (2017)). The frequency of this variant in the general population (Genome Aggregation Database) is uninformative in the assessment of its pathogenicity. Analysis of this variant using bioinformatics tools for the prediction of the effect of amino acid changes on protein structure and function yielded predictions that this variant is damaging. Based on the available information, we are unable to determine the clinical significance of this variant.

Labcorp Genetics (formerly Invitae), Labcorp
Classification: Likely benign for Hereditary nonpolyposis colorectal neoplasms. Last evaluated: 2024-12-22. Review status: criteria provided, single submitter. Criteria: Invitae Variant Classification Sherloc (09022015). Collection method: clinical testing. Allele origin: germline.

Women's Health and Genetics/Laboratory Corporation of America, LabCorp
Classification: Uncertain significance. Last evaluated: 2023-09-17. Review status: criteria provided, single submitter. Criteria: LabCorp Variant Classification Summary - May 2015. Collection method: clinical testing. Allele origin: germline.

Baylor Genetics
Classification: Uncertain significance for Endometrial carcinoma. Last evaluated: 2023-05-30. Review status: criteria provided, single submitter. Criteria: ACMG Guidelines, 2015. Collection method: clinical testing. Allele origin: unknown.

Ambry Genetics
Classification: Uncertain significance for Hereditary cancer-predisposing syndrome. Last evaluated: 2023-05-08. Review status: criteria provided, single submitter. Criteria: Ambry Variant Classification Scheme 2023. Collection method: clinical testing. Allele origin: germline.
Comment: The p.H918R variant (also known as c.2753A>G), located in coding exon 4 of the MSH6 gene, results from an A to G substitution at nucleotide position 2753. The histidine at codon 918 is replaced by arginine, an amino acid with highly similar properties. This amino acid position is highly conserved in available vertebrate species. In addition, this alteration is predicted to be deleterious by in silico analysis. Since supporting evidence is limited at this time, the clinical significance of this alteration remains unclear.

All of Us Research Program, National Institutes of Health
Classification: Uncertain significance for Lynch syndrome. Last evaluated: 2023-03-23. Review status: criteria provided, single submitter. Criteria: ACMG Guidelines, 2015. Collection method: clinical testing. Allele origin: germline. Inheritance: Autosomal dominant inheritance. Observed: 2 variant alleles, 2 heterozygotes.
Comment: This missense variant replaces histidine with arginine at codon 918 of the MSH6 protein. Computational prediction suggests that this variant may have deleterious impact on protein structure and function (internally defined REVEL score threshold >= 0.7, PMID: 27666373). Splice site prediction tools suggest that this variant may not impact RNA splicing. To our knowledge, functional studies have not been reported for this variant. This variant has not been reported in individuals affected with hereditary cancer in the literature. This variant has been identified in 1/251002 chromosomes in the general population by the Genome Aggregation Database (gnomAD). The available evidence is insufficient to determine the role of this variant in disease conclusively. Therefore, this variant is classified as a Variant of Uncertain Significance.

This study involves interpretation of variants in research participants for the purpose of population health screening. Participant phenotype was not available at the time of variant classification. Additional details can be found in publication PMID: 35346344, PMCID: PMC8962531

Color Diagnostics, LLC DBA Color Health
Classification: Uncertain significance for Hereditary cancer-predisposing syndrome. Last evaluated: 2023-02-22. Review status: criteria provided, single submitter. Criteria: ACMG Guidelines, 2015. Collection method: clinical testing. Allele origin: germline.
Comment: This missense variant replaces histidine with arginine at codon 918 of the MSH6 protein. Computational prediction suggests that this variant may have deleterious impact on protein structure and function (internally defined REVEL score threshold >= 0.7, PMID: 27666373). To our knowledge, functional studies have not been reported for this variant. This variant has not been reported in individuals affected with MSH6-related disorders in the literature. This variant has been identified in 1/251002 chromosomes in the general population by the Genome Aggregation Database (gnomAD). The available evidence is insufficient to determine the role of this variant in disease conclusively. Therefore, this variant is classified as a Variant of Uncertain Significance.

GeneDx
Classification: Uncertain significance. Last evaluated: 2015-02-16. Review status: criteria provided, single submitter. Criteria: GeneDx Variant Classification (06012015). Collection method: clinical testing. Allele origin: germline. Affected: yes.
Comment: This variant is denoted MSH6 c.2753A>G at the cDNA level, p.His918Arg (H918R) at the protein level, and results in the change of a Histidine to an Arginine (CAT>CGT). This variant has not, to our knowledge, been published in the literature as pathogenic or benign. MSH6 His918Arg was not observed in approximately 6,500 individuals of European and African American ancestry in the NHLBI Exome Sequencing Project, indicating it is not a common benign variant in these populations. Since Histidine and Arginine share similar properties, this is considered a conservative amino acid substitution. MSH6 His918Arg occurs at a position that is highly conserved across species and is not located in a known functional domain. In silico analyses predict that this variant is probably damaging to protein structure and function. Based on currently available information, it is unclear whether MSH6 His918Arg is pathogenic or benign. We consider it to be a variant of uncertain significance.

Literature cited by the submitters: PubMed 29245953 (cited by Quest Diagnostics Nichols Institute San Juan Capistrano).

NM_000179.3(MSH6):c.2753A>G (p.His918Arg)

Gene: MSH6 (mutS homolog 6; plus strand). Cytogenetic location: 2p16.3.
Variant type: single nucleotide variant.
Coding change: c.2753A>G on transcript NM_000179.3 (MANE Select); coding-DNA position 2753, A replaced by G.
Protein change: p.His918Arg; replaces histidine 918 with arginine.
Molecular consequence: missense variant.
Genome position (GRCh38, 1-based): chr2:47,800,736, A>G. VCF-style: chr2-47800736-A-G. GRCh37 (hg19) VCF-style: chr2-48027875-A-G.
Other names: c.2363A>G, p.His788Arg (NM_001281492.2); c.1847A>G, p.His616Arg (NM_001281493.2, NM_001281494.2); short protein forms H918R, H788R, H616R.
Identifiers: ClinVar variation 418328 (VCV000418328.25), dbSNP rs754948438, ClinGen allele CA069591.